The following is an entry in ClinVar:

NM_139276.3(STAT3):c.878A>G (p.Tyr293Cys)

Gene: STAT3 (signal transducer and activator of transcription 3; minus strand). Cytogenetic location: 17q21.2.
Variant type: single nucleotide variant.
Coding change: c.878A>G on transcript NM_139276.3 (MANE Select); coding-DNA position 878, A replaced by G.
Protein change: p.Tyr293Cys; replaces tyrosine 293 with cysteine.
Molecular consequence: missense variant.
Genome position (GRCh38, 1-based): chr17:42,333,969, T>C on the plus strand (A>G on the coding strand, the complement: STAT3 is on the minus strand). VCF-style: chr17-42333969-T-C. GRCh37 (hg19) VCF-style: chr17-40485987-T-C.
Other names: c.878A>G, p.Tyr293Cys (NM_001369517.1, NM_001369518.1, NM_001369519.1 and 15 more transcripts); c.800A>G, p.Tyr267Cys (NM_001384985.1); c.782A>G, p.Tyr261Cys (NM_001384989.1); short protein forms Y293C, Y261C, Y267C.
Identifiers: ClinVar variation 4783232 (VCV004783232.1).
Genomic context (GRCh38, chr17:42,333,969, plus strand): 5'-AACAGCTCCACGATTCTCTCCTCCAGCATCGGCCGGTGCTGTACAATGGGGTCCCCTTTG[T>C]AGGAAACTTTTTGCTGCAACTCCTCCAGTTTCTTAATTTGTTGACGGGTCTGAAGTTGAG-3'
Protein context (NP_644805.1, residues 283-303): KLEELQQKVS[Tyr293Cys]KGDPIVQHRP

ClinVar aggregate classification (germline): Uncertain significance (1 of 4 stars; one submission).

Conditions:
STAT3 gain of function. Identifiers: MedGen C4288261.
Hyper-IgE recurrent infection syndrome 1, autosomal dominant. Also called: JOB SYNDROME; Job's Syndrome; STAT3 Hyper IgE Syndrome; Hyper-IgE recurrent infection syndrome 1; HYPER-IgE SYNDROME 1, AUTOSOMAL DOMINANT, WITH RECURRENT INFECTIONS. Identifiers: Orphanet 2314, MedGen C2936739, MONDO:0007818, OMIM 147060.

Submission:

Labcorp Genetics (formerly Invitae), Labcorp
Classification: Uncertain significance for STAT3 gain of function; Hyper-IgE recurrent infection syndrome 1, autosomal dominant. Last evaluated: 2025-05-08. Review status: criteria provided, single submitter. Criteria: Invitae Variant Classification Sherloc (09022015). Collection method: clinical testing. Allele origin: germline.
Comment: This sequence change replaces tyrosine, which is neutral and polar, with cysteine, which is neutral and slightly polar, at codon 293 of the STAT3 protein (p.Tyr293Cys). This variant is not present in population databases (gnomAD no frequency). This variant has not been reported in the literature in individuals affected with STAT3-related conditions. Invitae Evidence Modeling of protein sequence and biophysical properties (such as structural, functional, and spatial information, amino acid conservation, physicochemical variation, residue mobility, and thermodynamic stability) indicates that this missense variant is expected to disrupt STAT3 protein function with a positive predictive value of 80%. In summary, the available evidence is currently insufficient to determine the role of this variant in disease. Therefore, it has been classified as a Variant of Uncertain Significance.